The following is an entry in ClinVar:

NM_020884.7(MYH7B):c.1248G>C (p.Lys416Asn)

Gene: MYH7B (myosin heavy chain 7B; plus strand). Cytogenetic location: 20q11.22.
Variant type: single nucleotide variant.
Coding change: c.1248G>C on transcript NM_020884.7 (MANE Select); coding-DNA position 1248, G replaced by C.
Protein change: p.Lys416Asn; replaces lysine 416 with asparagine.
Molecular consequence: missense variant.
Genome position (GRCh38, 1-based): chr20:34,987,657, G>C. VCF-style: chr20-34987657-G-C. GRCh37 (hg19) VCF-style: chr20-33575460-G-C.
Other names: short protein forms K416N.
Identifiers: ClinVar variation 2523179 (VCV002523179.5), dbSNP rs757932346, ClinGen allele CA9826868.
Genomic context (GRCh38, chr20:34,987,657, plus strand): 5'-GGACCTCCTCAAAGGCCTTTTGCACCCCCGGGTGCGTGTAGGGAACGAGTACGTGACCAA[G>C]GGCCAGAGTGTGGAGCAGGTGAGCTGCCTGCAGGCCAAACCCATGGGGGACAGCCGGGCA-3'
Protein context (NP_065935.4, residues 406-426): RVRVGNEYVT[Lys416Asn]GQSVEQVVFA

ClinVar aggregate classification (germline): Uncertain significance. Review status: criteria provided, multiple submitters, no conflicts (2 of 4 stars). 2 submissions from 2 submitters: Uncertain significance (2). Last evaluated 2025-05-21.

Allele frequency attached by ClinVar (database versions not stated): ExAC 0.00005; gnomAD 0.00005.
gnomAD v4.1: 35 of 1,613,586 alleles (0.0022%); highest among the groups gnomAD compares: Admixed American, 0.013%; no homozygotes.

Submissions (2):

Labcorp Genetics (formerly Invitae), Labcorp
Classification: Uncertain significance. Last evaluated: 2025-05-21. Review status: criteria provided, single submitter. Criteria: Invitae Variant Classification Sherloc (09022015). Collection method: clinical testing. Allele origin: germline.
Comment: This sequence change replaces lysine, which is basic and polar, with asparagine, which is neutral and polar, at codon 458 of the MYH7B protein (p.Lys458Asn). This variant is present in population databases (rs757932346, gnomAD 0.02%). This variant has not been reported in the literature in individuals affected with MYH7B-related conditions. ClinVar contains an entry for this variant (Variation ID: 2523179). Invitae Evidence Modeling of protein sequence and biophysical properties (such as structural, functional, and spatial information, amino acid conservation, physicochemical variation, residue mobility, and thermodynamic stability) indicates that this missense variant is expected to disrupt MYH7B protein function with a positive predictive value of 80%. In summary, the available evidence is currently insufficient to determine the role of this variant in disease. Therefore, it has been classified as a Variant of Uncertain Significance.

Ambry Genetics
Classification: Uncertain significance. Last evaluated: 2023-05-17. Review status: criteria provided, single submitter. Criteria: Ambry Variant Classification Scheme 2023. Collection method: clinical testing. Allele origin: germline.